The following is an entry in ClinVar:

NM_001277115.2(DNAH11):c.6709C>T (p.Leu2237Phe)

Gene: DNAH11 (dynein axonemal heavy chain 11; plus strand). Cytogenetic location: 7p15.3.
Variant type: single nucleotide variant.
Coding change: c.6709C>T on transcript NM_001277115.2 (MANE Select); coding-DNA position 6709, C replaced by T.
Protein change: p.Leu2237Phe; replaces leucine 2237 with phenylalanine.
Molecular consequence: missense variant.
Genome position (GRCh38, 1-based): chr7:21,710,578, C>T. VCF-style: chr7-21710578-C-T. GRCh37 (hg19) VCF-style: chr7-21750196-C-T.
Other names: short protein forms L2237F.
Identifiers: ClinVar variation 1397397 (VCV001397397.8), dbSNP rs370225380, ClinGen allele CA366940001.

ClinVar aggregate classification (germline): Uncertain significance (1 of 4 stars; one submission).

Conditions:
Primary ciliary dyskinesia. Also called: Ciliary dyskinesia. Identifiers: Orphanet 244, MedGen C0008780, MONDO:0016575, HP:0012265.

Allele frequency attached by ClinVar (database versions not stated): gnomAD exomes below 0.00001.
gnomAD v4.1: 1 of 1,610,948 alleles (0.000062%); highest among the groups gnomAD compares: Non-Finnish European, 0.000085%; no homozygotes.

Submission:

Labcorp Genetics (formerly Invitae), Labcorp
Classification: Uncertain significance for Primary ciliary dyskinesia. Last evaluated: 2021-04-05. Review status: criteria provided, single submitter. Criteria: Invitae Variant Classification Sherloc (09022015). Collection method: clinical testing. Allele origin: germline.
Comment: This sequence change replaces leucine with phenylalanine at codon 2237 of the DNAH11 protein (p.Leu2237Phe). The leucine residue is highly conserved and there is a small physicochemical difference between leucine and phenylalanine. In summary, the available evidence is currently insufficient to determine the role of this variant in disease. Therefore, it has been classified as a Variant of Uncertain Significance. Advanced modeling of protein sequence and biophysical properties (such as structural, functional, and spatial information, amino acid conservation, physicochemical variation, residue mobility, and thermodynamic stability) performed at Invitae indicates that this missense variant is not expected to disrupt DNAH11 protein function. This variant has not been reported in the literature in individuals with DNAH11-related conditions. This variant is not present in population databases (ExAC no frequency).